The following is an entry in ClinVar:

NM_000043.6(FAS):c.976A>G (p.Asn326Asp)

Gene: FAS (Fas cell surface death receptor; plus strand). Cytogenetic location: 10q23.31.
Variant type: single nucleotide variant.
Coding change: c.976A>G on transcript NM_000043.6 (MANE Select); coding-DNA position 976, A replaced by G.
Protein change: p.Asn326Asp; replaces asparagine 326 with aspartic acid.
Molecular consequence: missense variant. On other transcripts: 3 prime UTR variant (2), non-coding transcript variant (7).
Genome position (GRCh38, 1-based): chr10:89,014,418, A>G. VCF-style: chr10-89014418-A-G. GRCh37 (hg19) VCF-style: chr10-90774175-A-G.
Other names: c.976A>G (NM_000043.4); c.*299A>G (NM_001320619.2); c.913A>G, p.Asn305Asp (NM_152871.4); c.*288A>G (NM_152872.4); short protein forms N305D, N326D.
Identifiers: ClinVar variation 1044441 (VCV001044441.9), dbSNP rs770595930, ClinGen allele CA5593245.

ClinVar aggregate classification (germline): Uncertain significance. Review status: criteria provided, multiple submitters, no conflicts (2 of 4 stars). 2 submissions from 2 submitters: Uncertain significance (2). Last evaluated 2025-11-08.

Conditions:
Inborn genetic diseases. Identifiers: MedGen C0950123, MeSH D030342.
Autoimmune lymphoproliferative syndrome type 1. Also called: AUTOIMMUNE LYMPHOPROLIFERATIVE SYNDROME, TYPE I, AUTOSOMAL DOMINANT. Identifiers: Orphanet 3261, MedGen C2717884, MONDO:0011158, OMIM 601859.

Allele frequency attached by ClinVar (database versions not stated): TOPMed 0.00001.

Submissions (2):

Ambry Genetics
Classification: Uncertain significance for Inborn genetic diseases. Last evaluated: 2025-11-08. Review status: criteria provided, single submitter. Criteria: Ambry Variant Classification Scheme 2023. Collection method: clinical testing. Allele origin: germline.

Labcorp Genetics (formerly Invitae), Labcorp
Classification: Uncertain significance for Autoimmune lymphoproliferative syndrome. Last evaluated: 2023-12-27. Review status: criteria provided, single submitter. Criteria: Invitae Variant Classification Sherloc (09022015). Collection method: clinical testing. Allele origin: germline.
Comment: This sequence change replaces asparagine, which is neutral and polar, with aspartic acid, which is acidic and polar, at codon 326 of the FAS protein (p.Asn326Asp). This variant is present in population databases (rs770595930, gnomAD 0.003%). This variant has not been reported in the literature in individuals affected with FAS-related conditions. ClinVar contains an entry for this variant (Variation ID: 1044441). Algorithms developed to predict the effect of missense changes on protein structure and function output the following: SIFT: "Not Available"; PolyPhen-2: "Benign"; Align-GVGD: "Not Available". The aspartic acid amino acid residue is found in multiple mammalian species, which suggests that this missense change does not adversely affect protein function. In summary, the available evidence is currently insufficient to determine the role of this variant in disease. Therefore, it has been classified as a Variant of Uncertain Significance.